The following is an entry in ClinVar:

NM_000540.3(RYR1):c.1762C>T (p.Leu588Phe)

Gene: RYR1 (ryanodine receptor 1; plus strand). Cytogenetic location: 19q13.2.
Variant type: single nucleotide variant.
Coding change: c.1762C>T on transcript NM_000540.3 (MANE Select); coding-DNA position 1762, C replaced by T.
Protein change: p.Leu588Phe; replaces leucine 588 with phenylalanine.
Molecular consequence: missense variant.
Genome position (GRCh38, 1-based): chr19:38,455,722, C>T. VCF-style: chr19-38455722-C-T. GRCh37 (hg19) VCF-style: chr19-38946362-C-T.
Other names: c.1762C>T, p.Leu588Phe (NM_001042723.2); short protein forms L588F.
Identifiers: ClinVar variation 3073787 (VCV003073787.2), dbSNP rs1207390245, ClinGen allele CA405691728.
Genomic context (GRCh38, chr19:38,455,722, plus strand): 5'-ATTGAGAGTCCAGAGGTTCTGAACATCATCCAGGAGAATCACATCAAGTCCATCATCTCC[C>T]TCCTGGACAAGCATGGGAGGAACCACAAGGTCGGCCCCTCACCCCTGACCTCTCATCCCC-3'
Protein context (NP_000531.2, residues 578-598): QENHIKSIIS[Leu588Phe]LDKHGRNHKV

ClinVar aggregate classification (germline): Uncertain significance. Review status: criteria provided, multiple submitters, no conflicts (2 of 4 stars). 2 submissions from 2 submitters: Uncertain significance (2). Last evaluated 2025-06-24.

Conditions:
RYR1-related disorder. Also called: RYR1-related condition; RYR1-related disorders. Identifiers: MedGen CN239331.
Malignant hyperthermia, susceptibility to, 1 (MHS1). Also called: Anesthesia related hyperthermia; Malignant hyperpyrexia; Fulminating hyperpyrexia; Pharmacogenic myopathy; RYR1-Related Malignant Hyperthermia Susceptibility; Malignant hyperthermia suceptibility 1. Identifiers: Orphanet 423, MedGen C2930980, MONDO:0007783, OMIM 145600.

Allele frequency attached by ClinVar (database versions not stated): gnomAD exomes below 0.00001; TOPMed below 0.00001.
gnomAD v4.1: 1 of 1,612,922 alleles (0.000062%); highest among the groups gnomAD compares: Admixed American, 0.0017%; no homozygotes.

Submissions (2):

Labcorp Genetics (formerly Invitae), Labcorp
Classification: Uncertain significance for RYR1-related disorder. Last evaluated: 2025-06-24. Review status: criteria provided, single submitter. Criteria: Invitae Variant Classification Sherloc (09022015). Collection method: clinical testing. Allele origin: germline.
Comment: This sequence change replaces leucine, which is neutral and non-polar, with phenylalanine, which is neutral and non-polar, at codon 588 of the RYR1 protein (p.Leu588Phe). This variant is present in population databases (no rsID available, gnomAD 0.003%). This variant has not been reported in the literature in individuals affected with RYR1-related conditions. ClinVar contains an entry for this variant (Variation ID: 3073787). Invitae Evidence Modeling of protein sequence and biophysical properties (such as structural, functional, and spatial information, amino acid conservation, physicochemical variation, residue mobility, and thermodynamic stability) has been performed for this missense variant. However, the output from this modeling did not meet the statistical confidence thresholds required to predict the impact of this variant on RYR1 protein function. In summary, the available evidence is currently insufficient to determine the role of this variant in disease. Therefore, it has been classified as a Variant of Uncertain Significance.

All of Us Research Program, National Institutes of Health
Classification: Uncertain significance for Malignant hyperthermia, susceptibility to, 1. Last evaluated: 2023-10-06. Review status: criteria provided, single submitter. Criteria: ACMG Guidelines, 2015. Collection method: clinical testing. Allele origin: germline. Inheritance: Autosomal dominant inheritance. Observed: 1 variant allele, 1 heterozygote.
Comment: This missense variant replaces leucine with phenylalanine at codon 588 of the RYR1 protein. Computational prediction suggests that this variant may have deleterious impact on protein structure and function (internally defined REVEL score threshold >= 0.7, PMID: 27666373). To our knowledge, functional studies have not been reported for this variant. This variant has not been reported in individuals affected with RYR1-related disorders in the literature. This variant has been identified in 1/251424 chromosomes in the general population by the Genome Aggregation Database (gnomAD). The available evidence is insufficient to determine the role of this variant in disease conclusively. Therefore, this variant is classified as a Variant of Uncertain Significance.

This study involves interpretation of variants in research participants for the purpose of population health screening. Participant phenotype was not available at the time of variant classification. Additional details can be found in publication PMID: 35346344, PMCID: PMC8962531